The following is an entry in ClinVar:

ClinVar aggregate classification (germline): Benign/Likely benign. Review status: criteria provided, multiple submitters, no conflicts (2 of 4 stars). 3 submissions from 3 submitters: Benign (1); Likely benign (2). Last evaluated 2025-08-11.

Conditions:
Dilated cardiomyopathy 1DD (CMD1DD). Identifiers: Orphanet 154, MedGen C2750995, MONDO:0013168, OMIM 613172.
Cardiovascular phenotype. Identifiers: MedGen CN230736.

Allele frequency attached by ClinVar (database versions not stated): gnomAD exomes below 0.00001; gnomAD 0.00001 and 0.00002; 1000 Genomes Project 30x 0.00016.
gnomAD v4.1: 4 of 1,551,858 alleles (0.00026%); highest among the groups gnomAD compares: African/African-American, 0.0055%; no homozygotes.

Submissions (3):

Labcorp Genetics (formerly Invitae), Labcorp
Classification: Benign for Dilated cardiomyopathy 1DD. Last evaluated: 2025-08-11. Review status: criteria provided, single submitter. Criteria: Invitae Variant Classification Sherloc (09022015). Collection method: clinical testing. Allele origin: germline.

Ambry Genetics
Classification: Likely benign for Cardiovascular phenotype. Last evaluated: 2021-11-29. Review status: criteria provided, single submitter. Criteria: Ambry Variant Classification Scheme 2023. Collection method: clinical testing. Allele origin: germline.

GeneDx
Classification: Likely benign. Last evaluated: 2018-02-19. Review status: criteria provided, single submitter. Criteria: GeneDx Variant Classification (06012015). Collection method: clinical testing. Allele origin: germline. Affected: yes.
Comment: This variant is considered likely benign or benign based on one or more of the following criteria: it is a conservative change, it occurs at a poorly conserved position in the protein, it is predicted to be benign by multiple in silico algorithms, and/or has population frequency not consistent with disease.

NM_001134363.3(RBM20):c.468T>A (p.Ala156=)

Gene: RBM20 (RNA binding motif protein 20; plus strand). Cytogenetic location: 10q25.2.
Variant type: single nucleotide variant.
Coding change: c.468T>A on transcript NM_001134363.3 (MANE Select); coding-DNA position 468, T replaced by A.
Protein change: p.Ala156=; no amino-acid change (alanine 156 retained).
Molecular consequence: synonymous variant.
Genome position (GRCh38, 1-based): chr10:110,781,077, T>A. VCF-style: chr10-110781077-T-A. GRCh37 (hg19) VCF-style: chr10-112540835-T-A.
Other names: c.468T>A (LRG_382t1).
Identifiers: ClinVar variation 515475 (VCV000515475.4), dbSNP rs115379805, ClinGen allele CA213234648.